The following is an entry in ClinVar:

NM_002476.2(MYL4):c.556A>T (p.Asn186Tyr)

Gene: MYL4 (myosin light chain 4; plus strand). Cytogenetic location: 17q21.32.
Variant type: single nucleotide variant.
Coding change: c.556A>T on transcript NM_002476.2 (MANE Select); coding-DNA position 556, A replaced by T.
Protein change: p.Asn186Tyr; replaces asparagine 186 with tyrosine.
Molecular consequence: missense variant.
Genome position (GRCh38, 1-based): chr17:47,222,448, A>T. VCF-style: chr17-47222448-A-T. GRCh37 (hg19) VCF-style: chr17-45299814-A-T.
Other names: c.556A>T, p.Asn186Tyr (NM_001002841.2); short protein forms N186Y.
Identifiers: ClinVar variation 476210 (VCV000476210.18), dbSNP rs16941677, ClinGen allele CA8622789.

ClinVar aggregate classification (germline): Benign/Likely benign. Review status: criteria provided, multiple submitters, no conflicts (2 of 4 stars). 5 submissions from 5 submitters: Benign (3); Likely benign (1). 1 of the submissions does not count toward it. Last evaluated 2026-02-03.

Conditions:
MYL4-related disorder. Also called: MYL4-related condition.
Atrial fibrillation, familial, 18 (ATFB18). Identifiers: MedGen C4310636, MONDO:0015001, OMIM 617280.

Allele frequency attached by ClinVar (database versions not stated): gnomAD exomes 0.00184; ExAC 0.00236; 1000 Genomes Project 0.00579; 1000 Genomes Project 30x 0.00656; gnomAD 0.00770 and 0.00828; ESP Exome Variant Server 0.00800; TOPMed 0.00822.
gnomAD v4.1: 2,233 of 1,614,084 alleles (0.14%); highest among the groups gnomAD compares: African/African-American, 2.7%; 38 homozygotes.

Submissions (5):

Labcorp Genetics (formerly Invitae), Labcorp
Classification: Benign for Atrial fibrillation, familial, 18. Last evaluated: 2026-02-03. Review status: criteria provided, single submitter. Criteria: Invitae Variant Classification Sherloc (09022015). Collection method: clinical testing. Allele origin: germline.

Blueprint Genetics
Classification: Likely benign. Last evaluated: 2024-11-26. Review status: criteria provided, single submitter. Criteria: ACMG Guidelines, 2015. Collection method: clinical testing. Allele origin: germline.

GeneDx
Classification: Benign. Last evaluated: 2020-12-17. Review status: criteria provided, single submitter. Criteria: GeneDx Variant Classification Process June 2021. Collection method: clinical testing. Allele origin: germline. Affected: yes.

Breakthrough Genomics
Classification: Benign. Review status: criteria provided, single submitter. Criteria: ACMG Guidelines, 2015. Collection method: not provided. Allele origin: germline. Inheritance: Autosomal dominant inheritance. Affected: yes.

PreventionGenetics, part of Exact Sciences
Classification: Benign for MYL4-related condition. Last evaluated: 2019-02-25. Review status: no assertion criteria provided. Collection method: clinical testing. Allele origin: germline. Not counted in ClinVar's aggregate classification.
Comment: This variant is classified as benign based on ACMG/AMP sequence variant interpretation guidelines (Richards et al. 2015 PMID: 25741868, with internal and published modifications).